The following is an entry in ClinVar:

ClinVar aggregate classification (germline): Uncertain significance. Review status: criteria provided, multiple submitters, no conflicts (2 of 4 stars). 2 submissions from 2 submitters: Uncertain significance (2). Last evaluated 2025-07-12.

Conditions:
Hereditary cancer-predisposing syndrome. Also called: Hereditary neoplastic syndrome; Neoplastic Syndromes, Hereditary; Hereditary Cancer Syndrome; Tumor predisposition. Identifiers: Orphanet 140162, MedGen C0027672, MeSH D009386, MONDO:0015356.
EGFR-related lung cancer (EGFR). Identifiers: MedGen CN130014.

Submissions (2):

Ambry Genetics
Classification: Uncertain significance for Hereditary cancer-predisposing syndrome. Last evaluated: 2025-07-12. Review status: criteria provided, single submitter. Criteria: Ambry Variant Classification Scheme 2023. Collection method: clinical testing. Allele origin: germline.
Comment: The p.T488I variant (also known as c.1463C>T), located in coding exon 12 of the EGFR gene, results from a C to T substitution at nucleotide position 1463. The threonine at codon 488 is replaced by isoleucine, an amino acid with similar properties. This amino acid position is conserved. In addition, this alteration is predicted to be tolerated by in silico analysis. Based on the available evidence, the clinical significance of this variant remains unclear.

Labcorp Genetics (formerly Invitae), Labcorp
Classification: Uncertain significance for EGFR-related lung cancer. Last evaluated: 2024-09-11. Review status: criteria provided, single submitter. Criteria: Invitae Variant Classification Sherloc (09022015). Collection method: clinical testing. Allele origin: germline.
Comment: This sequence change replaces threonine, which is neutral and polar, with isoleucine, which is neutral and non-polar, at codon 488 of the EGFR protein (p.Thr488Ile). This variant is not present in population databases (gnomAD no frequency). This variant has not been reported in the literature in individuals affected with EGFR-related conditions. An algorithm developed to predict the effect of missense changes on protein structure and function (PolyPhen-2) suggests that this variant is likely to be tolerated. In summary, the available evidence is currently insufficient to determine the role of this variant in disease. Therefore, it has been classified as a Variant of Uncertain Significance.

NM_005228.5(EGFR):c.1463C>T (p.Thr488Ile)

Gene: EGFR (epidermal growth factor receptor; plus strand). Cytogenetic location: 7p11.2.
Variant type: single nucleotide variant.
Coding change: c.1463C>T on transcript NM_005228.5 (MANE Select); coding-DNA position 1463, C replaced by T.
Protein change: p.Thr488Ile; replaces threonine 488 with isoleucine.
Molecular consequence: missense variant.
Genome position (GRCh38, 1-based): chr7:55,160,303, C>T. VCF-style: chr7-55160303-C-T. GRCh37 (hg19) VCF-style: chr7-55227996-C-T.
Other names: c.1328C>T, p.Thr443Ile (NM_001346897.2, NM_001346899.2); c.1463C>T, p.Thr488Ile (NM_001346898.2, NM_201282.2, NM_201284.2); c.1304C>T, p.Thr435Ile (NM_001346900.2); c.662C>T, p.Thr221Ile (NM_001346941.2); short protein forms T435I, T488I, T221I, T443I.
Identifiers: ClinVar variation 3715780 (VCV003715780.3).